The following is an entry in ClinVar:

NM_030662.4(MAP2K2):c.806C>G (p.Pro269Arg)

Gene: MAP2K2 (mitogen-activated protein kinase kinase 2; minus strand). Cytogenetic location: 19p13.3.
Variant type: single nucleotide variant.
Coding change: c.806C>G on transcript NM_030662.4 (MANE Select); coding-DNA position 806, C replaced by G.
Protein change: p.Pro269Arg; replaces proline 269 with arginine.
Molecular consequence: missense variant.
Genome position (GRCh38, 1-based): chr19:4,099,314, G>C on the plus strand (C>G on the coding strand, the complement: MAP2K2 is on the minus strand). VCF-style: chr19-4099314-G-C. GRCh37 (hg19) VCF-style: chr19-4099312-G-C.
Other names: short protein forms P269R.
Identifiers: ClinVar variation 177876 (VCV000177876.17), dbSNP rs368064728, ClinGen allele CA180914.

ClinVar aggregate classification (germline): Uncertain significance. Review status: reviewed by expert panel (3 of 4 stars). 7 submissions from 7 submitters: Uncertain significance (1). 6 of the submissions do not count toward it. Last evaluated 2020-03-09.

Conditions:
MAP2K2-related disorder. Also called: MAP2K2-related condition.
Cardiofaciocutaneous syndrome 4 (CFC4). Also called: MAP2K2-Related Cardiofaciocutaneous Syndrome. Identifiers: Orphanet 1340, MedGen C3809007, MONDO:0014114, OMIM 615280.
Cardiovascular phenotype. Identifiers: MedGen CN230736.
RASopathy. Also called: Noonan spectrum disorder; rasopathies. Identifiers: Orphanet 536391, MedGen C5555857, MONDO:0021060.

Allele frequency attached by ClinVar (database versions not stated): TOPMed 0.00001; ESP Exome Variant Server 0.00008.
gnomAD v4.1: 19 of 1,607,660 alleles (0.0012%); highest among the groups gnomAD compares: Non-Finnish European, 0.0014%; no homozygotes.

Submissions (7):

ClinGen RASopathy Variant Curation Expert Panel
Classification: Uncertain significance for RASopathy. Last evaluated: 2020-03-09. Review status: reviewed by expert panel. Criteria: ClinGen RASopathy ACMG Specifications v1. Collection method: curation. Allele origin: germline. Inheritance: Autosomal dominant inheritance.
Comment: The c.806C>G (p.Pro269Arg) variant in MAP2K2 is absent from gnomAD (PM2). This variant has been observed in an individual with an alternate mechanism of disease (VCV000013329.8; Laboratory for Molecular Medicine internal data; BP5). Four apparently unaffected parental samples involved in whole exome testing were observed with this variant supporting that this variant is likely benign; however, this evidence does not meet current scoring criteria for BS2 at this time. Computational prediction tools and conservation analysis suggest that the p.Pro269Arg variant may impact the protein (PP3). In summary, the clinical significance of the p.Pro269Arg variant is uncertain. RASopathy-specific ACMG/AMP criteria applied (PMID:29493581): PP3, PM2, BP5.

Labcorp Genetics (formerly Invitae), Labcorp
Classification: Uncertain significance for RASopathy. Last evaluated: 2025-08-12. Review status: criteria provided, single submitter. Criteria: Invitae Variant Classification Sherloc (09022015). Collection method: clinical testing. Allele origin: germline. Not counted in ClinVar's aggregate classification.
Comment: This sequence change replaces proline, which is neutral and non-polar, with arginine, which is basic and polar, at codon 269 of the MAP2K2 protein (p.Pro269Arg). This variant is not present in population databases (gnomAD no frequency). This variant has not been reported in the literature in individuals affected with MAP2K2-related conditions. ClinVar contains an entry for this variant (Variation ID: 177876). Invitae Evidence Modeling incorporating data from in vitro experimental studies (internal data) indicates that this missense variant is not expected to disrupt MAP2K2 function with a negative predictive value of 95%. In summary, the available evidence is currently insufficient to determine the role of this variant in disease. Therefore, it has been classified as a Variant of Uncertain Significance.

Fulgent Genetics
Classification: Uncertain significance for Cardiofaciocutaneous syndrome 4. Last evaluated: 2024-02-12. Review status: criteria provided, single submitter. Criteria: ACMG Guidelines, 2015. Collection method: clinical testing. Allele origin: germline. Not counted in ClinVar's aggregate classification.

PreventionGenetics, part of Exact Sciences
Classification: Uncertain significance for MAP2K2-related condition. Last evaluated: 2023-04-28. Review status: criteria provided, single submitter. Criteria: ACMG Guidelines, 2015. Collection method: clinical testing. Allele origin: germline. Not counted in ClinVar's aggregate classification.
Comment: The MAP2K2 c.806C>G variant is predicted to result in the amino acid substitution p.Pro269Arg. To our knowledge, this variant has not been reported in the literature. This variant is reported in 0.00095% of alleles in individuals of European (Non-Finnish) descent in gnomAD. At this time, the clinical significance of this variant is uncertain due to the absence of conclusive functional and genetic evidence.

Ambry Genetics
Classification: Uncertain significance for Cardiovascular phenotype. Last evaluated: 2022-12-09. Review status: criteria provided, single submitter. Criteria: Ambry Variant Classification Scheme 2023. Collection method: clinical testing. Allele origin: germline. Not counted in ClinVar's aggregate classification.
Comment: The p.P269R variant (also known as c.806C>G), located in coding exon 7 of the MAP2K2 gene, results from a C to G substitution at nucleotide position 806. The proline at codon 269 is replaced by arginine, an amino acid with dissimilar properties. This amino acid position is conserved. In addition, this alteration is predicted to be deleterious by in silico analysis. Since supporting evidence is limited at this time, the clinical significance of this alteration remains unclear.

GeneDx
Classification: Likely benign. Last evaluated: 2021-04-02. Review status: criteria provided, single submitter. Criteria: GeneDx Variant Classification Process June 2021. Collection method: clinical testing. Allele origin: germline. Affected: yes. Not counted in ClinVar's aggregate classification.

Laboratory for Molecular Medicine, Mass General Brigham Personalized Medicine
Classification: Uncertain significance. Last evaluated: 2018-02-15. Review status: criteria provided, single submitter. Criteria: LMM Criteria. Collection method: clinical testing. Allele origin: germline. Observed: 1 variant allele. Not counted in ClinVar's aggregate classification.
Comment: proposed classification - variant undergoing re-assessment, contact laboratory